The following is an entry in ClinVar:

ClinVar aggregate classification (germline): Uncertain significance (1 of 4 stars; one submission).

Conditions:
Joubert syndrome. Also called: JOUBERT-BOLTSHAUSER SYNDROME; Familial aplasia of the vermis. Identifiers: Orphanet 475, MedGen C5979921, MONDO:0018772.
Meckel-Gruber syndrome. Also called: DYSENCEPHALIA SPLANCHNOCYSTICA; GRUBER SYNDROME; Dysencephalia splachnocystica. Identifiers: Orphanet 564, MedGen C0265215, MONDO:0018921.

Allele frequency attached by ClinVar (database versions not stated): gnomAD exomes below 0.00001.
gnomAD v4.1: 1 of 1,608,924 alleles (0.000062%); highest among the groups gnomAD compares: Admixed American, 0.0017%; no homozygotes.

Submission:

Labcorp Genetics (formerly Invitae), Labcorp
Classification: Uncertain significance for Joubert syndrome; Meckel-Gruber syndrome. Last evaluated: 2022-06-26. Review status: criteria provided, single submitter. Criteria: Invitae Variant Classification Sherloc (09022015). Collection method: clinical testing. Allele origin: germline.
Comment: In summary, the available evidence is currently insufficient to determine the role of this variant in disease. Therefore, it has been classified as a Variant of Uncertain Significance. Algorithms developed to predict the effect of missense changes on protein structure and function are either unavailable or do not agree on the potential impact of this missense change (SIFT: "Deleterious"; PolyPhen-2: "Possibly Damaging"; Align-GVGD: "Class C0"). This variant has not been reported in the literature in individuals affected with CC2D2A-related conditions. This variant is present in population databases (no rsID available, gnomAD 0.003%). This sequence change replaces glutamic acid, which is acidic and polar, with aspartic acid, which is acidic and polar, at codon 1326 of the CC2D2A protein (p.Glu1326Asp).

NM_001378615.1(CC2D2A):c.3978A>C (p.Glu1326Asp)

Genes: FBXL5 (F-box and leucine rich repeat protein 5; minus strand), CC2D2A (coiled-coil and C2 domain containing 2A; plus strand). Cytogenetic location: 4p15.32.
Variant type: single nucleotide variant.
Coding change: c.3978A>C on transcript NM_001378615.1 (MANE Select); coding-DNA position 3978, A replaced by C.
Protein change: p.Glu1326Asp; replaces glutamic acid 1326 with aspartic acid.
Molecular consequence: missense variant.
Genome position (GRCh38, 1-based): chr4:15,586,159, A>C. VCF-style: chr4-15586159-A-C. GRCh37 (hg19) VCF-style: chr4-15587782-A-C.
Other names: c.3978A>C, p.Glu1326Asp (NM_001080522.2); c.3831A>C, p.Glu1277Asp (NM_001378617.1); short protein forms E1277D, E1326D.
Identifiers: ClinVar variation 2011055 (VCV002011055.4), dbSNP rs1166361679, ClinGen allele CA356428169.